The following is an entry in ClinVar:

NM_006306.4(SMC1A):c.59T>C (p.Ile20Thr)

Gene: SMC1A (structural maintenance of chromosomes 1A; minus strand). Cytogenetic location: Xp11.22.
Variant type: single nucleotide variant.
Coding change: c.59T>C on transcript NM_006306.4 (MANE Select); coding-DNA position 59, T replaced by C.
Protein change: p.Ile20Thr; replaces isoleucine 20 with threonine.
Molecular consequence: missense variant. On other transcripts: 5 prime UTR variant (1).
Genome position (GRCh38, 1-based): chrX:53,422,542, A>G on the plus strand (T>C on the coding strand, the complement: SMC1A is on the minus strand). VCF-style: chrX-53422542-A-G. GRCh37 (hg19) VCF-style: chrX-53449491-A-G.
Other names: c.-154T>C (NM_001281463.1); short protein forms I20T.
Identifiers: ClinVar variation 2632826 (VCV002632826.1), dbSNP rs2521010247, ClinGen allele CA413134990.

ClinVar aggregate classification (germline): Uncertain significance (1 of 4 stars; one submission).

Conditions:
SMC1A-related disorder. Also called: SMC1A-related condition.

Submission:

PreventionGenetics, part of Exact Sciences
Classification: Uncertain significance for SMC1A-related condition. Last evaluated: 2023-05-01. Review status: criteria provided, single submitter. Criteria: ACMG Guidelines, 2015. Collection method: clinical testing. Allele origin: germline.
Comment: The SMC1A c.59T>C variant is predicted to result in the amino acid substitution p.Ile20Thr. To our knowledge, this variant has not been reported in the literature or in a large population database, indicating this variant is rare. At this time, the clinical significance of this variant is uncertain due to the absence of conclusive functional and genetic evidence.